The following is an entry in ClinVar:

ClinVar aggregate classification (germline): Uncertain significance (1 of 4 stars; one submission).

Conditions:
Diamond-Blackfan anemia. Also called: Blackfan Diamond syndrome; Aregenerative anemia chronic congenital; Red cell aplasia, pure hereditary; Congenital hypoplastic anemia; Aase syndrome. Identifiers: Orphanet 124, MedGen C1260899, MeSH D029503, MONDO:0015253, HP:0004810.

Submission:

Labcorp Genetics (formerly Invitae), Labcorp
Classification: Uncertain significance for Diamond-Blackfan anemia. Last evaluated: 2025-02-17. Review status: criteria provided, single submitter. Criteria: Invitae Variant Classification Sherloc (09022015). Collection method: clinical testing. Allele origin: germline.
Comment: This sequence change replaces isoleucine, which is neutral and non-polar, with threonine, which is neutral and polar, at codon 29 of the RPL26 protein (p.Ile29Thr). This variant is not present in population databases (gnomAD no frequency). This variant has not been reported in the literature in individuals affected with RPL26-related conditions. An algorithm developed to predict the effect of missense changes on protein structure and function (PolyPhen-2) suggests that this variant is likely to be disruptive. In summary, the available evidence is currently insufficient to determine the role of this variant in disease. Therefore, it has been classified as a Variant of Uncertain Significance.

NM_000987.5(RPL26):c.86T>C (p.Ile29Thr)

Gene: RPL26 (ribosomal protein L26; minus strand). Cytogenetic location: 17p13.1.
Variant type: single nucleotide variant.
Coding change: c.86T>C on transcript NM_000987.5 (MANE Select); coding-DNA position 86, T replaced by C.
Protein change: p.Ile29Thr; replaces isoleucine 29 with threonine.
Molecular consequence: missense variant.
Genome position (GRCh38, 1-based): chr17:8,382,225, A>G on the plus strand (T>C on the coding strand, the complement: RPL26 is on the minus strand). VCF-style: chr17-8382225-A-G. GRCh37 (hg19) VCF-style: chr17-8285543-A-G.
Other names: c.86T>C, p.Ile29Thr (NM_001315530.2, NM_001315531.2); short protein forms I29T.
Identifiers: ClinVar variation 3611308 (VCV003611308.2).
Genomic context (GRCh38, chr17:8,382,225, plus strand): 5'-ATGGGCATGGATCGCACGTTGTACTTCTGTCTCAGCTCTTTGGAAAGAGGGGAAGACATA[A>G]TCTTCCTTCGAATGTGGGAAGGTGCATTGAAATGCCTTTTGCGATTCTTGCTTCGGTCGG-3'
Protein context (NP_000978.1, residues 19-39): FNAPSHIRRK[Ile29Thr]MSSPLSKELR